The following is an entry in ClinVar:

ClinVar aggregate classification (germline): Uncertain significance (1 of 4 stars; one submission).

Conditions:
Inborn genetic diseases. Identifiers: MedGen C0950123, MeSH D030342.

Allele frequency attached by ClinVar (database versions not stated): gnomAD exomes below 0.00001; TOPMed below 0.00001; gnomAD 0.00001.
gnomAD v4.1: 2 of 1,614,114 alleles (0.00012%); highest among the groups gnomAD compares: Non-Finnish European, 0.00017%; no homozygotes.

Submission:

Ambry Genetics
Classification: Uncertain significance for Inborn genetic diseases. Last evaluated: 2021-01-07. Review status: criteria provided, single submitter. Criteria: Ambry Variant Classification Scheme 2023. Collection method: clinical testing. Allele origin: germline.
Comment: The p.S243L variant (also known as c.728C>T), located in coding exon 9 of the LRSAM1 gene, results from a C to T substitution at nucleotide position 728. The serine at codon 243 is replaced by leucine, an amino acid with dissimilar properties. This amino acid position is not well conserved in available vertebrate species. In addition, this alteration is predicted to be tolerated by in silico analysis. Since supporting evidence is limited at this time, the clinical significance of this alteration remains unclear.

NM_001005373.4(LRSAM1):c.728C>T (p.Ser243Leu)

Gene: LRSAM1 (leucine rich repeat and sterile alpha motif containing 1; plus strand). Cytogenetic location: 9q33.3.
Variant type: single nucleotide variant.
Coding change: c.728C>T on transcript NM_001005373.4 (MANE Select); coding-DNA position 728, C replaced by T.
Protein change: p.Ser243Leu; replaces serine 243 with leucine.
Molecular consequence: missense variant. On other transcripts: 5 prime UTR variant (1), non-coding transcript variant (2).
Genome position (GRCh38, 1-based): chr9:127,473,909, C>T. VCF-style: chr9-127473909-C-T. GRCh37 (hg19) VCF-style: chr9-130236188-C-T.
Other names: c.728C>T, p.Ser243Leu (NM_001005374.4, NM_001190723.3, NM_001384142.1 and 2 more transcripts); c.-57C>T (NM_001384144.1); short protein forms S243L.
Identifiers: ClinVar variation 1758098 (VCV001758098.2), dbSNP rs1032048507, ClinGen allele CA199848093.